The following is an entry in ClinVar:

ClinVar aggregate classification (germline): Uncertain significance (1 of 4 stars; one submission).

Conditions:
Charcot-Marie-Tooth disease type 2. Also called: Charcot-Marie-Tooth type 2. Identifiers: Orphanet 64746, MedGen C0270914, MONDO:0018993.

Submission:

Labcorp Genetics (formerly Invitae), Labcorp
Classification: Uncertain significance for Charcot-Marie-Tooth disease type 2. Last evaluated: 2022-09-29. Review status: criteria provided, single submitter. Criteria: Invitae Variant Classification Sherloc (09022015). Collection method: clinical testing. Allele origin: germline.
Comment: In summary, the available evidence is currently insufficient to determine the role of this variant in disease. Therefore, it has been classified as a Variant of Uncertain Significance. Advanced modeling of protein sequence and biophysical properties (such as structural, functional, and spatial information, amino acid conservation, physicochemical variation, residue mobility, and thermodynamic stability) has been performed at Invitae for this missense variant, however the output from this modeling did not meet the statistical confidence thresholds required to predict the impact of this variant on LMNA protein function. This variant has not been reported in the literature in individuals affected with LMNA-related conditions. This variant is not present in population databases (gnomAD no frequency). This sequence change replaces serine, which is neutral and polar, with asparagine, which is neutral and polar, at codon 632 of the LMNA protein (p.Ser632Asn).

NM_170707.4(LMNA):c.1895G>A (p.Ser632Asn)

Gene: LMNA (lamin A/C; plus strand). Cytogenetic location: 1q22.
Variant type: single nucleotide variant.
Coding change: c.1895G>A on transcript NM_170707.4 (MANE Select); coding-DNA position 1895, G replaced by A.
Protein change: p.Ser632Asn; replaces serine 632 with asparagine.
Molecular consequence: missense variant. On other transcripts: intron variant (1).
Genome position (GRCh38, 1-based): chr1:156,138,684, G>A. VCF-style: chr1-156138684-G-A. GRCh37 (hg19) VCF-style: chr1-156108475-G-A.
Other names: c.1559G>A, p.Ser520Asn (NM_001257374.3, NM_001406989.1); c.1895G>A, p.Ser632Asn (NM_001406983.1, NM_001406985.1, NM_001406991.1); c.1652G>A, p.Ser551Asn (NM_001406986.1, NM_001406987.1); c.1598G>A, p.Ser533Asn (NM_001406988.1); c.1337G>A, p.Ser446Asn (NM_001406990.1, NM_001406993.1, NM_001406995.1 and 2 more transcripts); c.1271G>A, p.Ser424Asn (NM_001406994.1, NM_001406999.1, NM_001407000.1 and 1 more transcripts); c.1805G>A, p.Ser602Asn (NM_170708.4); c.1818+77G>A (NM_001282626.2); short protein forms S551N, S632N, S424N, S520N, S446N, S533N, S602N.
Identifiers: ClinVar variation 2101588 (VCV002101588.4), dbSNP rs2528030529, ClinGen allele CA342827703.